The following is an entry in ClinVar:

NM_032776.3(JMJD1C):c.1435C>T (p.Leu479Phe)

Gene: JMJD1C (jumonji domain containing 1C; minus strand). Cytogenetic location: 10q21.3.
Variant type: single nucleotide variant.
Coding change: c.1435C>T on transcript NM_032776.3 (MANE Select); coding-DNA position 1435, C replaced by T.
Protein change: p.Leu479Phe; replaces leucine 479 with phenylalanine.
Molecular consequence: missense variant. On other transcripts: non-coding transcript variant (1).
Genome position (GRCh38, 1-based): chr10:63,214,732, G>A on the plus strand (C>T on the coding strand, the complement: JMJD1C is on the minus strand). VCF-style: chr10-63214732-G-A. GRCh37 (hg19) VCF-style: chr10-64974492-G-A.
Other names: c.889C>T, p.Leu297Phe (NM_001282948.2, NM_001318154.2); c.571C>T, p.Leu191Phe (NM_001318153.2); c.1321C>T, p.Leu441Phe (NM_001322252.2); c.778C>T, p.Leu260Phe (NM_001322254.2, NM_001322258.2); short protein forms L260F, L297F, L191F, L441F, L479F.
Identifiers: ClinVar variation 862656 (VCV000862656.9), dbSNP rs61758115, ClinGen allele CA5518805.
Genomic context (GRCh38, chr10:63,214,732, plus strand): 5'-ACTTCTCCTTTGGTAGCAATTCCATGGTATGTGTTTTATCCATATTGCATTCCTGAGGAA[G>A]TAAATCATTAGAATTATGATCAGAAACTGTGGACTGTTCTGACGAATGAATAATCATATC-3'
Protein context (NP_116165.1, residues 469-489): TVSDHNSNDL[Leu479Phe]PQECNMDKTH

ClinVar aggregate classification (germline): Uncertain significance (1 of 4 stars; one submission).

Conditions:
Early Myoclonic Encephalopathy. Identifiers: MedGen C0270855.

Allele frequency attached by ClinVar (database versions not stated): gnomAD 0.00001; ESP Exome Variant Server 0.00008; ExAC 0.00001; TOPMed 0.00002.
gnomAD v4.1: 2 of 1,613,812 alleles (0.00012%); highest among the groups gnomAD compares: African/African-American, 0.0027%; no homozygotes.

Submission:

Labcorp Genetics (formerly Invitae), Labcorp
Classification: Uncertain significance for Early Myoclonic Encephalopathy. Last evaluated: 2020-01-10. Review status: criteria provided, single submitter. Criteria: Invitae Variant Classification Sherloc (09022015). Collection method: clinical testing. Allele origin: germline.
Comment: Algorithms developed to predict the effect of missense changes on protein structure and function (SIFT, PolyPhen-2, Align-GVGD) all suggest that this variant is likely to be tolerated, but these predictions have not been confirmed by published functional studies and their clinical significance is uncertain. This variant has not been reported in the literature in individuals with JMJD1C-related conditions. This variant is present in population databases (rs61758115, ExAC 0.01%). This sequence change replaces leucine with phenylalanine at codon 479 of the JMJD1C protein (p.Leu479Phe). The leucine residue is weakly conserved and there is a small physicochemical difference between leucine and phenylalanine. In summary, the available evidence is currently insufficient to determine the role of this variant in disease. Therefore, it has been classified as a Variant of Uncertain Significance.